The following is an entry in ClinVar:

NM_004006.3(DMD):c.5525G>T (p.Arg1842Ile)

Gene: DMD (dystrophin; minus strand). Cytogenetic location: Xp21.1.
Variant type: single nucleotide variant.
Coding change: c.5525G>T on transcript NM_004006.3 (MANE Select); coding-DNA position 5525, G replaced by T.
Protein change: p.Arg1842Ile; replaces arginine 1842 with isoleucine.
Molecular consequence: missense variant.
Genome position (GRCh38, 1-based): chrX:32,346,004, C>A on the plus strand (G>T on the coding strand, the complement: DMD is on the minus strand). VCF-style: chrX-32346004-C-A. GRCh37 (hg19) VCF-style: chrX-32364121-C-A.
Other names: c.5501G>T, p.Arg1834Ile (NM_000109.4); c.5513G>T, p.Arg1838Ile (NM_004009.3); c.5156G>T, p.Arg1719Ile (NM_004010.3); c.1502G>T, p.Arg501Ile (NM_004011.4); c.1493G>T, p.Arg498Ile (NM_004012.4); short protein forms R1838I, R501I, R1834I, R1842I, R498I, R1719I.
Identifiers: ClinVar variation 1366777 (VCV001366777.8), dbSNP rs376011686, ClinGen allele CA412667343.
Genomic context (GRCh38, chrX:32,346,004, plus strand): 5'-TTGAGAGCATTATGTTTTGTCTGTAACAGCTGCTGTTTTATCTTTATTTCCTCTCGCTTT[C>A]TCTCATCTGTGATTCTTTGTTGTAAGTTGTCTCCTCTTTGCAACAATTCTTTTACAGTAC-3'
Protein context (NP_003997.2, residues 1832-1852): DNLQQRITDE[Arg1842Ile]KREEIKIKQQ

ClinVar aggregate classification (germline): Uncertain significance (1 of 4 stars; one submission).

Conditions:
Duchenne muscular dystrophy (DMD). Also called: MUSCULAR DYSTROPHY, PSEUDOHYPERTROPHIC PROGRESSIVE, DUCHENNE TYPE; Duchenne Muscular Dystrophy (DMD). Identifiers: Orphanet 98896, MedGen C0013264, MONDO:0010679, OMIM 310200.

Submission:

Labcorp Genetics (formerly Invitae), Labcorp
Classification: Uncertain significance for Duchenne muscular dystrophy. Last evaluated: 2022-11-14. Review status: criteria provided, single submitter. Criteria: Invitae Variant Classification Sherloc (09022015). Collection method: clinical testing. Allele origin: germline.
Comment: In summary, the available evidence is currently insufficient to determine the role of this variant in disease. Therefore, it has been classified as a Variant of Uncertain Significance. Advanced modeling of protein sequence and biophysical properties (such as structural, functional, and spatial information, amino acid conservation, physicochemical variation, residue mobility, and thermodynamic stability) performed at Invitae indicates that this missense variant is not expected to disrupt DMD protein function. ClinVar contains an entry for this variant (Variation ID: 1366777). This variant has not been reported in the literature in individuals affected with DMD-related conditions. This variant is not present in population databases (gnomAD no frequency). This sequence change replaces arginine, which is basic and polar, with isoleucine, which is neutral and non-polar, at codon 1842 of the DMD protein (p.Arg1842Ile).